The following is an entry in ClinVar:

ClinVar aggregate classification (germline): Uncertain significance (1 of 4 stars; one submission).

Submission:

GeneDx
Classification: Uncertain significance. Last evaluated: 2017-08-29. Review status: criteria provided, single submitter. Criteria: GeneDx Variant Classification (06012015). Collection method: clinical testing. Allele origin: germline. Affected: yes.
Comment: The c.1250-3 T>G variant has not been published as a pathogenic variant, nor has it been reported as a benign variant to our knowledge. The variant is not observed in large population cohorts (Lek et al., 2016; 1000 Genomes Consortium et al., 2015; Exome Variant Server). Several in-silico splice prediction models predict that c.1250-3 T>G damages the natural acceptor site and leads to abnormal gene splicing. However, in the absence of RNA/functional studies, the actual effect of this sequence change in this individual is unknown. Therefore, based on the currently available information, it is unclear whether this variant is a pathogenic variant or a rare benign variant.

NM_000062.3(SERPING1):c.1250-3T>G

Gene: SERPING1 (serpin family G member 1; plus strand). Cytogenetic location: 11q12.1.
Variant type: single nucleotide variant.
Coding change: c.1250-3T>G on transcript NM_000062.3 (MANE Select); 3 bases into the intron before coding-DNA position 1250, T replaced by G.
Molecular consequence: intron variant.
Genome position (GRCh38, 1-based): chr11:57,614,325, T>G. VCF-style: chr11-57614325-T-G. GRCh37 (hg19) VCF-style: chr11-57381798-T-G.
Other names: c.1250-3T>G (NM_001032295.2).
Identifiers: ClinVar variation 451758 (VCV000451758.2), dbSNP rs1554996812, ClinGen allele CA658658058.
Genomic context (GRCh38, chr11:57,614,325, plus strand): 5'-GTCTCCATCAGCTGAGGGTATCATGCTGGCTTCTGACTCTGTTTTTCTCTGGTTTTGCCC[T>G]AGAATTCTTCGATTTTTCTTATGACCTTAACCTGTGTGGGCTGACAGAGGACCCAGATCT-3'